The following is an entry in ClinVar:

NM_001365536.1(SCN9A):c.900delA (p.Lys301fs)

Gene: SCN9A (sodium voltage-gated channel alpha subunit 9; minus strand). Cytogenetic location: 2q24.3.
Variant type: Deletion.
Coding change: c.900delA on transcript NM_001365536.1 (MANE Select); coding-DNA position 900, one base deleted (A).
Protein change: p.Lys301fs; shifts the reading frame from lysine 301.
Molecular consequence: frameshift variant.
Genome position (GRCh38, 1-based): chr2:166,303,090, T deleted on the plus strand (A on the coding strand, the reverse complement: SCN9A is on the minus strand); the first of 2 consecutive T bases (chr2:166,303,090-166,303,091); deleting either gives the same sequence. VCF-style (leftmost placement, unchanged base first): chr2-166303089-CT-C. GRCh37 (hg19) VCF-style: chr2-167159599-CT-C.
Other names: c.900delA, p.Lys301fs (NM_002977.4); short protein forms K301fs.
Identifiers: ClinVar variation 4791374 (VCV004791374.1).
Genomic context (GRCh38, chr2:166,303,089, plus strand): 5'-AAAAGAGAGCAATGTTTTTAGCATTATTTCAACCTAATAACAAATGCAAGGACATTCTTA[CT>C]TCTAAAGTCTTCTTCACTCTCTAGGGTATTCATTATGCTTTCTAATGTTTCATTATTTTC-3'

ClinVar aggregate classification (germline): Pathogenic (1 of 4 stars; one submission).

Conditions:
Neuropathy, hereditary sensory and autonomic, type 2A (HSAN2A). Also called: ACROOSTEOLYSIS, GIACCAI TYPE; ACROOSTEOLYSIS, NEUROGENIC; MORVAN DISEASE; NEUROPATHY, CONGENITAL SENSORY; NEUROPATHY, HEREDITARY SENSORY RADICULAR, AUTOSOMAL RECESSIVE; NEUROPATHY, HEREDITARY SENSORY, TYPE IIA. Identifiers: Orphanet 970, MedGen C2752089, MONDO:0024309, OMIM 201300.
Generalized epilepsy with febrile seizures plus, type 7 (GEFSP7). Also called: GEFS+, TYPE 7. Identifiers: Orphanet 36387, MedGen C2751778, MONDO:0013470, OMIM 613863.

Submission:

Labcorp Genetics (formerly Invitae), Labcorp
Classification: Pathogenic for Neuropathy, hereditary sensory and autonomic, type 2A; Generalized epilepsy with febrile seizures plus, type 7. Last evaluated: 2025-07-18. Review status: criteria provided, single submitter. Criteria: Invitae Variant Classification Sherloc (09022015). Collection method: clinical testing. Allele origin: germline.
Comment: This sequence change creates a premature translational stop signal (p.Lys301Asnfs*31) in the SCN9A gene. It is expected to result in an absent or disrupted protein product. Loss-of-function variants in SCN9A are known to be pathogenic (PMID: 17470132, 19304393). This variant is present in population databases (no rsID available, gnomAD 0.001%). This variant has not been reported in the literature in individuals affected with SCN9A-related conditions. Algorithms developed to predict the effect of sequence changes on RNA splicing suggest that this variant may disrupt the consensus splice site. For these reasons, this variant has been classified as Pathogenic.

Literature cited by the submitters: PubMed 17470132; PubMed 19304393.